The following is an entry in ClinVar:

NM_004655.4(AXIN2):c.1561C>T (p.His521Tyr)

Gene: AXIN2 (axin 2; minus strand). Cytogenetic location: 17q24.1.
Variant type: single nucleotide variant.
Coding change: c.1561C>T on transcript NM_004655.4 (MANE Select); coding-DNA position 1561, C replaced by T.
Protein change: p.His521Tyr; replaces histidine 521 with tyrosine.
Molecular consequence: missense variant.
Genome position (GRCh38, 1-based): chr17:65,537,475, G>A on the plus strand (C>T on the coding strand, the complement: AXIN2 is on the minus strand). VCF-style: chr17-65537475-G-A. GRCh37 (hg19) VCF-style: chr17-63533593-G-A.
Other names: c.1561C>T, p.His521Tyr (NM_001363813.1); short protein forms H521Y.
Identifiers: ClinVar variation 1517737 (VCV001517737.18), dbSNP rs2144459300, ClinGen allele CA400677261.
Genomic context (GRCh38, chr17:65,537,475, plus strand): 5'-AGTGCACCCGCTGCGTGGCCTCCGCCTCGATCTCCTCCTTGGTCTTGGGGACGGCATGGT[G>A]GTGGATGTAGTGGTGGTGGACATGCTTCGTCGTCTGCTTGGTCACAAAGCCTTTGCCCCC-3'
Protein context (NP_004646.3, residues 511-531): TKHVHHHYIH[His521Tyr]HAVPKTKEEI

ClinVar aggregate classification (germline): Uncertain significance. Review status: criteria provided, multiple submitters, no conflicts (2 of 4 stars). 4 submissions from 4 submitters: Uncertain significance (4). Last evaluated 2025-12-15.

Conditions:
Hereditary cancer-predisposing syndrome. Also called: Tumor predisposition; Neoplastic Syndromes, Hereditary; Hereditary neoplastic syndrome; Hereditary Cancer Syndrome. Identifiers: Orphanet 140162, MedGen C0027672, MeSH D009386, MONDO:0015356.
Oligodontia-cancer predisposition syndrome. Also called: TOOTH AGENESIS-COLORECTAL CANCER SYNDROME. Identifiers: Orphanet 300576, MedGen C1837750, MONDO:0012075, OMIM 608615. Disease mechanism: loss of function.

Submissions (4):

Labcorp Genetics (formerly Invitae), Labcorp
Classification: Uncertain significance for Oligodontia-cancer predisposition syndrome. Last evaluated: 2025-12-15. Review status: criteria provided, single submitter. Criteria: Invitae Variant Classification Sherloc (09022015). Collection method: clinical testing. Allele origin: germline.
Comment: This sequence change replaces histidine, which is basic and polar, with tyrosine, which is neutral and polar, at codon 521 of the AXIN2 protein (p.His521Tyr). This variant is not present in population databases (gnomAD no frequency). This variant has not been reported in the literature in individuals affected with AXIN2-related conditions. ClinVar contains an entry for this variant (Variation ID: 1517737). Invitae Evidence Modeling of protein sequence and biophysical properties (such as structural, functional, and spatial information, amino acid conservation, physicochemical variation, residue mobility, and thermodynamic stability) indicates that this missense variant is expected to disrupt AXIN2 protein function with a positive predictive value of 80%. In summary, the available evidence is currently insufficient to determine the role of this variant in disease. Therefore, it has been classified as a Variant of Uncertain Significance.

Ambry Genetics
Classification: Uncertain significance for Hereditary cancer-predisposing syndrome. Last evaluated: 2025-07-08. Review status: criteria provided, single submitter. Criteria: Ambry Variant Classification Scheme 2023. Collection method: clinical testing. Allele origin: germline.
Comment: The p.H521Y variant (also known as c.1561C>T), located in coding exon 5 of the AXIN2 gene, results from a C to T substitution at nucleotide position 1561. The histidine at codon 521 is replaced by tyrosine, an amino acid with similar properties. This amino acid position is highly conserved in available vertebrate species. In addition, the in silico prediction for this alteration is inconclusive. Based on the available evidence, the clinical significance of this variant remains unclear.

Center for Genomic Medicine, Rigshospitalet, Copenhagen University Hospital
Classification: Uncertain significance. Last evaluated: 2025-03-04. Review status: criteria provided, single submitter. Criteria: ACMG Guidelines, 2015. Collection method: clinical testing. Allele origin: germline.

Sema4
Classification: Uncertain significance for Hereditary cancer-predisposing syndrome. Last evaluated: 2021-09-16. Review status: criteria provided, single submitter. Criteria: Sema4 Curation Guidelines. Collection method: curation. Allele origin: germline.
Comment: The AXIN2 c.1561C>T (p.H521Y) variant has not been reported in the literature to our knowledge. It was not observed in the large and broad cohorts of the Genome Aggregation Database (PMID: 32461654). This variant has not been reported in ClinVar. Functional studies have not been performed, and in silico predictions of the variant's effect on protein function are inconclusive. The evidence is insufficient to meet ACMG/AMP criteria for classifying the variant as benign or pathogenic. Thus, the clinical significance of this variant is currently uncertain.